The following is an entry in ClinVar:

NM_000285.4(PEPD):c.596A>G (p.Asn199Ser)

Gene: PEPD (peptidase D; minus strand). Cytogenetic location: 19q13.11.
Variant type: single nucleotide variant.
Coding change: c.596A>G on transcript NM_000285.4 (MANE Select); coding-DNA position 596, A replaced by G.
Protein change: p.Asn199Ser; replaces asparagine 199 with serine.
Molecular consequence: missense variant. On other transcripts: intron variant (1).
Genome position (GRCh38, 1-based): chr19:33,464,015, T>C on the plus strand (A>G on the coding strand, the complement: PEPD is on the minus strand). VCF-style: chr19-33464015-T-C. GRCh37 (hg19) VCF-style: chr19-33954921-T-C.
Other names: c.404A>G, p.Asn135Ser (NM_001166057.2); c.548+14031A>G (NM_001166056.2); c.596A>G (NM_000285.3); short protein forms N199S, N135S.
Identifiers: ClinVar variation 2140705 (VCV002140705.2), dbSNP rs533937837, ClinGen allele CA9364229.

ClinVar aggregate classification (germline): Uncertain significance. Review status: criteria provided, multiple submitters, no conflicts (2 of 4 stars). 2 submissions from 2 submitters: Uncertain significance (2). Last evaluated 2025-08-11.

Conditions:
Inborn genetic diseases. Identifiers: MedGen C0950123, MeSH D030342.

Allele frequency attached by ClinVar (database versions not stated): ExAC 0.00004; gnomAD 0.00004; TOPMed 0.00004.
gnomAD v4.1: 46 of 1,613,040 alleles (0.0029%); highest among the groups gnomAD compares: Admixed American, 0.022%; no homozygotes.

Submissions (2):

Ambry Genetics
Classification: Uncertain significance for Inborn genetic diseases. Last evaluated: 2025-08-11. Review status: criteria provided, single submitter. Criteria: Ambry Variant Classification Scheme 2023. Collection method: clinical testing. Allele origin: germline.

Labcorp Genetics (formerly Invitae), Labcorp
Classification: Uncertain significance. Last evaluated: 2022-06-23. Review status: criteria provided, single submitter. Criteria: Invitae Variant Classification Sherloc (09022015). Collection method: clinical testing. Allele origin: germline.
Comment: This sequence change replaces asparagine, which is neutral and polar, with serine, which is neutral and polar, at codon 199 of the PEPD protein (p.Asn199Ser). This variant is present in population databases (rs533937837, gnomAD 0.03%). This variant has not been reported in the literature in individuals affected with PEPD-related conditions. Algorithms developed to predict the effect of missense changes on protein structure and function (SIFT, PolyPhen-2, Align-GVGD) all suggest that this variant is likely to be tolerated. In summary, the available evidence is currently insufficient to determine the role of this variant in disease. Therefore, it has been classified as a Variant of Uncertain Significance.